The following is an entry in ClinVar:

NM_001378454.1(ALMS1):c.12390G>A (p.Gln4130=)

Gene: ALMS1 (ALMS1 centrosome and basal body associated protein; plus strand). Cytogenetic location: 2p13.1.
Variant type: single nucleotide variant.
Coding change: c.12390G>A on transcript NM_001378454.1 (MANE Select); coding-DNA position 12390, G replaced by A.
Protein change: p.Gln4130=; no amino-acid change (glutamine 4130 retained).
Molecular consequence: synonymous variant.
Genome position (GRCh38, 1-based): chr2:73,608,502, G>A. VCF-style: chr2-73608502-G-A. GRCh37 (hg19) VCF-style: chr2-73835629-G-A.
Other names: c.12393G>A, p.Gln4131= (NM_015120.4).
Identifiers: ClinVar variation 4996262 (VCV004996262.1).
Genomic context (GRCh38, chr2:73,608,502, plus strand): 5'-GATTTCTGTCCTTTCACTGGTGCCATTTCTAAGGATTTATGAGCAGCTTCCAGAAGTACA[G>A]AAAAAGAGAGAAGAAGAGAAGAGAAAATCAGAATATAAGTCATACCGGCTGCGAGCCCAG-3'
Protein context (NP_001365383.1, residues 4120-4140): KRIYEQLPEV[Gln4130=]KKREEEKRKS

ClinVar aggregate classification (germline): Likely benign (1 of 4 stars; one submission).

Conditions:
ALMS1-related disorder. Also called: ALMS1-related condition.

Submission:

PreventionGenetics, part of Exact Sciences
Classification: Likely benign for ALMS1-related condition. Last evaluated: 2026-02-11. Review status: criteria provided, single submitter. Criteria: ACMG Guidelines, 2015. Collection method: clinical testing. Allele origin: germline.
Comment: This variant is classified as likely benign based on ACMG/AMP sequence variant interpretation guidelines (Richards et al. 2015 PMID: 25741868, with internal and published modifications).